The following is an entry in ClinVar:

ClinVar aggregate classification (germline): Likely benign. Review status: criteria provided, multiple submitters, no conflicts (2 of 4 stars). 6 submissions from 5 submitters: Likely benign (5). 1 of the submissions does not count toward it. Last evaluated 2026-01-27.

Conditions:
USH2A-related disorder. Also called: USH2A-related condition; USH2A-related disorders. Identifiers: MedGen CN239332.
Retinitis pigmentosa 39 (RP39). Identifiers: Orphanet 791, MedGen C3151138, MONDO:0013436, OMIM 613809.
Usher syndrome type 2A. Also called: RETINAL DISEASE IN USHER SYNDROME TYPE IIA, MODIFIER OF; USHER SYNDROME, TYPE IIA. Identifiers: Orphanet 231178, Orphanet 886, MedGen C1848634, MONDO:0010169, OMIM 276901.

Allele frequency attached by ClinVar (database versions not stated): ExAC 0.00002; gnomAD 0.00002 and 0.00003; TOPMed 0.00002; gnomAD exomes 0.00003 and 0.00004.
gnomAD v4.1: 56 of 1,613,172 alleles (0.0035%); highest among the groups gnomAD compares: Non-Finnish European, 0.0042%; no homozygotes.

Submissions (6):

Labcorp Genetics (formerly Invitae), Labcorp
Classification: Likely benign. Last evaluated: 2026-01-27. Review status: criteria provided, single submitter. Criteria: Invitae Variant Classification Sherloc (09022015). Collection method: clinical testing. Allele origin: germline.

Blueprint Genetics
Classification: Likely benign. Last evaluated: 2024-06-19. Review status: criteria provided, single submitter. Criteria: ACMG Guidelines, 2015. Collection method: clinical testing. Allele origin: germline.

Genome-Nilou Lab
Classification: Likely benign for Retinitis pigmentosa 39. Last evaluated: 2023-11-04. Review status: criteria provided, single submitter. Criteria: ACMG Guidelines, 2015. Collection method: clinical testing. Allele origin: germline. Affected: no.

Genome-Nilou Lab
Classification: Likely benign for Usher syndrome type 2A. Last evaluated: 2023-11-04. Review status: criteria provided, single submitter. Criteria: ACMG Guidelines, 2015. Collection method: clinical testing. Allele origin: germline. Affected: no.

Laboratory for Molecular Medicine, Mass General Brigham Personalized Medicine
Classification: Likely benign. Last evaluated: 2016-03-14. Review status: criteria provided, single submitter. Criteria: LMM Criteria. Collection method: clinical testing. Allele origin: germline. Observed: 2 variant alleles.
Comment: p.Pro1710Pro in exon 25 of USH2A: This variant is not expected to have clinical significance because it does not alter an amino acid residue and is not located within the splice consensus sequence. It has been identified in 3/121051 chromos omes by the Exome Aggregation Consortium (ExAC; dbSNP rs747065891).

PreventionGenetics, part of Exact Sciences
Classification: Likely benign for USH2A-related condition. Last evaluated: 2022-01-17. Review status: no assertion criteria provided. Collection method: clinical testing. Allele origin: germline. Not counted in ClinVar's aggregate classification.
Comment: This variant is classified as likely benign based on ACMG/AMP sequence variant interpretation guidelines (Richards et al. 2015 PMID: 25741868, with internal and published modifications).

NM_206933.4(USH2A):c.5130C>T (p.Pro1710=)

Genes: USH2A (usherin; minus strand), USH2A-AS2 (USH2A antisense RNA 2; plus strand). Cytogenetic location: 1q41.
Variant type: single nucleotide variant.
Coding change: c.5130C>T on transcript NM_206933.4 (MANE Select); coding-DNA position 5130, C replaced by T.
Protein change: p.Pro1710=; no amino-acid change (proline 1710 retained).
Molecular consequence: synonymous variant.
Genome position (GRCh38, 1-based): chr1:216,084,735, G>A on the plus strand (C>T on the coding strand, the complement: USH2A is on the minus strand). VCF-style: chr1-216084735-G-A. GRCh37 (hg19) VCF-style: chr1-216258077-G-A.
Identifiers: ClinVar variation 228215 (VCV000228215.19), dbSNP rs747065891, ClinGen allele CA1395530.